The following is an entry in ClinVar:

ClinVar aggregate classification (germline): Uncertain significance (1 of 4 stars; one submission).

Conditions:
Familial hypercholesterolemia. Also called: Familial hypercholesterolaemia. Identifiers: MedGen C0020445, MONDO:0005439.

gnomAD v4.1: 2 of 1,614,080 alleles (0.00012%); highest among the groups gnomAD compares: Non-Finnish European, 0.000085%; no homozygotes.

Submission:

Cambridge Genomics Laboratory, East Genomic Laboratory Hub, NHS Genomic Medicine Service
Classification: Uncertain significance for Familial hypercholesterolaemia. Last evaluated: 2024-11-20. Review status: criteria provided, single submitter. Criteria: ACGS Best Practice Guidelines for Variant Classification in Rare Disease 2020. Collection method: clinical testing. Allele origin: germline. Affected: yes.
Comment: PM1_Supporting,PM2,BP4

NM_000384.3(APOB):c.8690A>G (p.Lys2897Arg)

Gene: APOB (apolipoprotein B; minus strand). Cytogenetic location: 2p24.1.
Variant type: single nucleotide variant.
Coding change: c.8690A>G on transcript NM_000384.3 (MANE Select); coding-DNA position 8690, A replaced by G.
Protein change: p.Lys2897Arg; replaces lysine 2897 with arginine.
Molecular consequence: missense variant.
Genome position (GRCh38, 1-based): chr2:21,008,178, T>C on the plus strand (A>G on the coding strand, the complement: APOB is on the minus strand). VCF-style: chr2-21008178-T-C. GRCh37 (hg19) VCF-style: chr2-21231050-T-C.
Other names: short protein forms K2897R.
Identifiers: ClinVar variation 4682131 (VCV004682131.1).